The following is an entry in ClinVar:

ClinVar aggregate classification (germline): Pathogenic. Review status: criteria provided, single submitter (1 of 4 stars). 2 submissions from 2 submitters: Pathogenic (1). 1 of the submissions does not count toward it. Last evaluated 2025-06-18.

Conditions:
Tuberous sclerosis 2 (TSC2). Identifiers: Orphanet 805, MedGen C1860707, MONDO:0013199, OMIM 613254.
Tuberous sclerosis syndrome (TSC). Also called: Tuberous Sclerosis Complex; Tuberous sclerosis. Identifiers: Orphanet 805, MedGen C0041341, MONDO:0001734.

Submissions (2):

Labcorp Genetics (formerly Invitae), Labcorp
Classification: Pathogenic for Tuberous sclerosis 2. Last evaluated: 2025-06-18. Review status: criteria provided, single submitter. Criteria: Invitae Variant Classification Sherloc (09022015). Collection method: clinical testing. Allele origin: germline.
Comment: This sequence change creates a premature translational stop signal (p.Trp1610*) in the TSC2 gene. It is expected to result in an absent or disrupted protein product. Loss-of-function variants in TSC2 are known to be pathogenic (PMID: 10205261, 17304050). This variant is not present in population databases (gnomAD no frequency). This premature translational stop signal has been observed in individual(s) with tuberous sclerosis complex (PMID: 16877242, 28600779). In at least one individual the variant was observed to be de novo. This variant is also known as c.4629G>A (p.Trp1543*). ClinVar contains an entry for this variant (Variation ID: 49841). For these reasons, this variant has been classified as Pathogenic.

Tuberous sclerosis database (TSC2)
No classification provided. Condition: TSC. Review status: no classification provided. Criteria: Tuberous Sclerosis Database Assertion Criteria 2015. Collection method: curation. Allele origin: germline. Affected: yes. Not counted in ClinVar's aggregate classification.

Literature cited by the submitters: PubMed 10205261 (cited by Labcorp Genetics (formerly Invitae), Labcorp); PubMed 17304050 (cited by Labcorp Genetics (formerly Invitae), Labcorp); PubMed 16877242 (cited by Labcorp Genetics (formerly Invitae), Labcorp); PubMed 28600779 (cited by Labcorp Genetics (formerly Invitae), Labcorp).

NM_000548.5(TSC2):c.4830G>A (p.Trp1610Ter)

Gene: TSC2 (TSC complex subunit 2; plus strand). Cytogenetic location: 16p13.3.
Variant type: single nucleotide variant.
Coding change: c.4830G>A on transcript NM_000548.5 (MANE Select); coding-DNA position 4830, G replaced by A.
Protein change: p.Trp1610Ter; replaces tryptophan 1610 with a stop codon.
Molecular consequence: nonsense.
Genome position (GRCh38, 1-based): chr16:2,086,360, G>A. VCF-style: chr16-2086360-G-A. GRCh37 (hg19) VCF-style: chr16-2136361-G-A.
Other names: c.4629G>A, p.Trp1543Ter (NM_001077183.3); c.4761G>A, p.Trp1587Ter (NM_001114382.3); c.4521G>A, p.Trp1507Ter (NM_001318827.2); c.4485G>A, p.Trp1495Ter (NM_001318829.2); c.4098G>A, p.Trp1366Ter (NM_001318831.2); c.4662G>A, p.Trp1554Ter (NM_001318832.2); c.4632G>A, p.Trp1544Ter (NM_001363528.2); c.4698G>A, p.Trp1566Ter (NM_001370404.1); and 1 more; short protein forms W1610*, W1543*, W1554*, W1366*, W1495*, W1587*, W1507*, W1567*.
Identifiers: ClinVar variation 49841 (VCV000049841.9), dbSNP rs45517372, ClinGen allele CA021078.